The following is an entry in ClinVar:

NM_004380.3(CREBBP):c.5025C>A (p.His1675Gln)

Gene: CREBBP (CREB binding lysine acetyltransferase; minus strand). Cytogenetic location: 16p13.3.
Variant type: single nucleotide variant.
Coding change: c.5025C>A on transcript NM_004380.3 (MANE Select); coding-DNA position 5025, C replaced by A.
Protein change: p.His1675Gln; replaces histidine 1675 with glutamine.
Molecular consequence: missense variant.
Genome position (GRCh38, 1-based): chr16:3,731,339, G>T on the plus strand (C>A on the coding strand, the complement: CREBBP is on the minus strand). VCF-style: chr16-3731339-G-T. GRCh37 (hg19) VCF-style: chr16-3781340-G-T.
Other names: c.4911C>A, p.His1637Gln (NM_001079846.1); short protein forms H1675Q, H1637Q.
Identifiers: ClinVar variation 2016184 (VCV002016184.4), dbSNP rs2151316810, ClinGen allele CA394558632.

ClinVar aggregate classification (germline): Uncertain significance (1 of 4 stars; one submission).

Conditions:
Rubinstein-Taybi syndrome (RSTS). Identifiers: Orphanet 783, MedGen C0035934, MONDO:0019188.

gnomAD v4.1: 1 of 1,614,086 alleles (0.000062%); highest among the groups gnomAD compares: Non-Finnish European, 0.000085%; no homozygotes.

Submission:

Labcorp Genetics (formerly Invitae), Labcorp
Classification: Uncertain significance for Rubinstein-Taybi syndrome. Last evaluated: 2022-07-11. Review status: criteria provided, single submitter. Criteria: Invitae Variant Classification Sherloc (09022015). Collection method: clinical testing. Allele origin: germline.
Comment: In summary, the available evidence is currently insufficient to determine the role of this variant in disease. Therefore, it has been classified as a Variant of Uncertain Significance. Advanced modeling of protein sequence and biophysical properties (such as structural, functional, and spatial information, amino acid conservation, physicochemical variation, residue mobility, and thermodynamic stability) performed at Invitae indicates that this missense variant is expected to disrupt CREBBP protein function. This variant has not been reported in the literature in individuals affected with CREBBP-related conditions. This variant is not present in population databases (gnomAD no frequency). This sequence change replaces histidine, which is basic and polar, with glutamine, which is neutral and polar, at codon 1675 of the CREBBP protein (p.His1675Gln).